The following is an entry in ClinVar:

ClinVar aggregate classification (germline): Uncertain significance. Review status: criteria provided, multiple submitters, no conflicts (2 of 4 stars). 2 submissions from 2 submitters: Uncertain significance (2). Last evaluated 2025-04-12.

Conditions:
Inflammatory skin and bowel disease, neonatal, 1. Identifiers: Orphanet 294023, MedGen C3280501, MONDO:0013693, OMIM 614328.
Inborn genetic diseases. Identifiers: MedGen C0950123, MeSH D030342.

Allele frequency attached by ClinVar (database versions not stated): gnomAD exomes 0.00010 and 0.00002; TOPMed 0.00002; ExAC 0.00002; gnomAD 0.00003.
gnomAD v4.1: 140 of 1,614,038 alleles (0.0087%); highest among the groups gnomAD compares: Non-Finnish European, 0.012%; no homozygotes.

Submissions (2):

Ambry Genetics
Classification: Uncertain significance for Inborn genetic diseases. Last evaluated: 2025-04-12. Review status: criteria provided, single submitter. Criteria: Ambry Variant Classification Scheme 2023. Collection method: clinical testing. Allele origin: germline.

Labcorp Genetics (formerly Invitae), Labcorp
Classification: Uncertain significance for Inflammatory skin and bowel disease, neonatal, 1. Last evaluated: 2022-04-24. Review status: criteria provided, single submitter. Criteria: Invitae Variant Classification Sherloc (09022015). Collection method: clinical testing. Allele origin: germline.
Comment: This sequence change replaces alanine, which is neutral and non-polar, with threonine, which is neutral and polar, at codon 742 of the ADAM17 protein (p.Ala742Thr). This variant is present in population databases (rs761836949, gnomAD 0.003%). This variant has not been reported in the literature in individuals affected with ADAM17-related conditions. ClinVar contains an entry for this variant (Variation ID: 1045467). Algorithms developed to predict the effect of missense changes on protein structure and function output the following: SIFT: "Not Available"; PolyPhen-2: "Benign"; Align-GVGD: "Not Available". The threonine amino acid residue is found in multiple mammalian species, which suggests that this missense change does not adversely affect protein function. In summary, the available evidence is currently insufficient to determine the role of this variant in disease. Therefore, it has been classified as a Variant of Uncertain Significance.

NM_003183.6(ADAM17):c.2224G>A (p.Ala742Thr)

Genes: ADAM17 (ADAM metallopeptidase domain 17; minus strand), IAH1 (isoamyl acetate hydrolyzing esterase 1 (putative); plus strand). Cytogenetic location: 2p25.1.
Variant type: single nucleotide variant.
Coding change: c.2224G>A on transcript NM_003183.6 (MANE Select); coding-DNA position 2224, G replaced by A.
Protein change: p.Ala742Thr; replaces alanine 742 with threonine.
Molecular consequence: missense variant.
Genome position (GRCh38, 1-based): chr2:9,490,428, C>T on the plus strand (G>A on the coding strand, the complement: ADAM17 is on the minus strand). VCF-style: chr2-9490428-C-T. GRCh37 (hg19) VCF-style: chr2-9630557-C-T.
Other names: c.1564G>A, p.Ala522Thr (NM_001382777.1); c.1327G>A, p.Ala443Thr (NM_001382778.1); c.2224G>A (NM_003183.4); short protein forms A443T, A522T, A742T.
Identifiers: ClinVar variation 1045467 (VCV001045467.7), dbSNP rs761836949, ClinGen allele CA1523258.
Genomic context (GRCh38, chr2:9,490,428, plus strand): 5'-TGGTGTCCATTCTCTGGTGGTCCAGTTTTGGAGCTGCTGGCGCCGAAGGGATCACAGGGG[C>T]AGGCTGCAGGCGGCCTGGAGTCTGGGGCGCAGGAAAGGGTTTGATAATGCGAACCGATGC-3'
Protein context (NP_003174.3, residues 732-752): APQTPGRLQP[Ala742Thr]PVIPSAPAAP